The following is an entry in ClinVar:

NC_000021.8:g.(?_35736455)_(35821942_?)dup

Genes: KCNE2 (potassium voltage-gated channel subfamily E regulatory subunit 2; plus strand), KCNE1 (potassium voltage-gated channel subfamily E regulatory subunit 1; minus strand), SMIM11 (small integral membrane protein 11; plus strand). Cytogenetic location: 21q22.11-22.12.
Variant type: Duplication.
Identifiers: ClinVar variation 666218 (VCV000666218.3).

ClinVar aggregate classification (germline): Uncertain significance. Review status: criteria provided, single submitter (1 of 4 stars). 2 submissions from 1 submitter: Uncertain significance (2). Last evaluated 2020-10-29.

Conditions:
Long QT syndrome (LQTS). Identifiers: MedGen C0023976, MeSH D008133, MONDO:0002442. Disease mechanism: loss of function. Inheritance: Various modes of inheritance.
Long QT syndrome 6 (LQT6). Identifiers: Orphanet 101016, Orphanet 768, MedGen C3150953, MONDO:0013370, OMIM 613693.

Submissions (2):

Labcorp Genetics (formerly Invitae), Labcorp
Classification: Uncertain significance for Long QT syndrome 6. Last evaluated: 2020-10-29. Review status: criteria provided, single submitter. Criteria: Invitae Variant Classification Sherloc (09022015). Collection method: clinical testing. Allele origin: germline.
Comment: This variant results in a copy number gain of the genomic region encompassing the full coding sequence of the KCNE2 gene. The boundaries of this event are unknown as they extend beyond the assayed region for this gene and therefore may encompass additional genes. As the precise location of this event is unknown, it may be in tandem or it may be located elsewhere in the genome. Isolated whole-gene copy number gains of KCNE2 have not been reported in the literature. However, larger copy number events that include this gene have been reported (PMID: 25640679). In summary, the available evidence is currently insufficient to determine the role of this variant in disease. Therefore, it has been classified as a Variant of Uncertain Significance.

Labcorp Genetics (formerly Invitae), Labcorp
Classification: Uncertain significance for Long QT syndrome. Last evaluated: 2019-12-13. Review status: criteria provided, single submitter. Criteria: Invitae Variant Classification Sherloc (09022015). Collection method: clinical testing. Allele origin: germline.
Comment: This variant results in a copy number gain of the genomic region encompassing the full coding sequence of the KCNE1 gene. The boundaries of this event are unknown as they extend beyond the assayed region for this gene and therefore may encompass additional genes. As the precise location of this event is unknown, it may be in tandem or it may be located elsewhere in the genome. Isolated whole-gene copy number gains of KCNE1 have not been reported in the literature. However, larger copy number events that include this gene have been reported (PMID: 25640679). In summary, the available evidence is currently insufficient to determine the role of this variant in disease. Therefore, it has been classified as a Variant of Uncertain Significance.

Literature cited by the submitters: PubMed 25640679.